The following is an entry in ClinVar:

ClinVar aggregate classification (germline): Benign. Review status: criteria provided, multiple submitters, no conflicts (2 of 4 stars). 4 submissions from 4 submitters: Benign (4). Last evaluated 2026-05-09.

Conditions:
Short stature due to growth hormone secretagogue receptor deficiency (GHDP). Also called: Short stature due to GHSR deficiency. Identifiers: Orphanet 314811, MedGen C5887324, MONDO:0014403, OMIM 615925.

Allele frequency attached by ClinVar (database versions not stated): gnomAD 0.03888 and 0.03959; 1000 Genomes Project 0.03474; 1000 Genomes Project 30x 0.03592; ESP Exome Variant Server 0.04544; ExAC 0.03312; TOPMed 0.04107; gnomAD exomes 0.02908.
gnomAD v4.1: 47,119 of 1,601,884 alleles (2.9%); highest among the groups gnomAD compares: African/African-American, 7.9%; 984 homozygotes.

Submissions (4):

Women's Health and Genetics/Laboratory Corporation of America, LabCorp
Classification: Benign. Last evaluated: 2026-05-09. Review status: criteria provided, single submitter. Criteria: LabCorp Variant Classification Summary - May 2015. Collection method: clinical testing. Allele origin: germline.

Labcorp Genetics (formerly Invitae), Labcorp
Classification: Benign. Last evaluated: 2026-02-01. Review status: criteria provided, single submitter. Criteria: Invitae Variant Classification Sherloc (09022015). Collection method: clinical testing. Allele origin: germline.

Illumina Laboratory Services, Illumina
Classification: Benign for Short stature due to growth hormone secretagogue receptor deficiency. Last evaluated: 2018-01-12. Review status: criteria provided, single submitter. Criteria: ICSL Variant Classification Criteria 13 December 2019. Collection method: clinical testing. Allele origin: germline.
Comment: This variant was observed in the ICSL laboratory as part of a predisposition screen in an ostensibly healthy population. It had not been previously curated by ICSL or reported in the Human Gene Mutation Database (HGMD: prior to June 1st, 2018), and was therefore a candidate for classification through an automated scoring system. Utilizing variant allele frequency, disease prevalence and penetrance estimates, and inheritance mode, an automated score was calculated to assess if this variant is too frequent to cause the disease. Based on the score and internal cut-off values, a variant classified as benign is not then subjected to further curation. The score for this variant resulted in a classification of benign for this disease.

Breakthrough Genomics
Classification: Benign. Review status: criteria provided, single submitter. Criteria: ACMG Guidelines, 2015. Collection method: not provided. Allele origin: germline. Inheritance: Autosomal dominant inheritance. Affected: yes.

NM_198407.2(GHSR):c.60C>T (p.Asp20=)

Gene: GHSR (growth hormone secretagogue receptor; minus strand). Cytogenetic location: 3q26.31.
Variant type: single nucleotide variant.
Coding change: c.60C>T on transcript NM_198407.2 (MANE Select); coding-DNA position 60, C replaced by T.
Protein change: p.Asp20=; no amino-acid change (aspartic acid 20 retained).
Molecular consequence: synonymous variant.
Genome position (GRCh38, 1-based): chr3:172,448,354, G>A on the plus strand (C>T on the coding strand, the complement: GHSR is on the minus strand). VCF-style: chr3-172448354-G-A. GRCh37 (hg19) VCF-style: chr3-172166144-G-A.
Other names: c.60C>T, p.Asp20= (NM_004122.2).
Identifiers: ClinVar variation 344202 (VCV000344202.14), dbSNP rs2232165, ClinGen allele CA2706544.
Genomic context (GRCh38, chr3:172,448,354, plus strand): 5'-CGCGGGGAAGAGCTGCAGCAGCTCGTCGCCCAGCGAGTCGTTGCCGGGGGAAGCATCCCA[G>A]TCCAGGTCGGCCAGTGTGAGGTTGAACCCCGGCTCTTCGCTGGGCGTCGCGTTCCACATG-3'
Protein context (NP_940799.1, residues 10-30): PGFNLTLADL[Asp20=]WDASPGNDSL